The following is an entry in ClinVar:

NM_004168.4(SDHA):c.263C>T (p.Ala88Val)

Gene: SDHA (succinate dehydrogenase complex flavoprotein subunit A; plus strand). Cytogenetic location: 5p15.33.
Variant type: single nucleotide variant.
Coding change: c.263C>T on transcript NM_004168.4 (MANE Select); coding-DNA position 263, C replaced by T.
Protein change: p.Ala88Val; replaces alanine 88 with valine.
Molecular consequence: missense variant.
Genome position (GRCh38, 1-based): chr5:224,472, C>T. VCF-style: chr5-224472-C-T. GRCh37 (hg19) VCF-style: chr5-224587-C-T.
Other names: c.263C>T, p.Ala88Val (NM_001294332.2, NM_001330758.2); short protein forms A88V.
Identifiers: ClinVar variation 1449585 (VCV001449585.12), dbSNP rs1734891785, ClinGen allele CA359008600.

ClinVar aggregate classification (germline): Uncertain significance (1 of 4 stars; one submission).

Conditions:
Mitochondrial complex II deficiency, nuclear type 1. Also called: SUCCINATE CoQ REDUCTASE DEFICIENCY. Identifiers: Orphanet 3208, MedGen C5700310, MONDO:0100294, OMIM 252011.
Pheochromocytoma/paraganglioma syndrome 5. Also called: Paragangliomas 5; SDHA-Related Hereditary Paraganglioma-Pheochromocytoma Syndrome. Identifiers: Orphanet 29072, MedGen C3279992, MONDO:0013602, OMIM 614165.

Submission:

Labcorp Genetics (formerly Invitae), Labcorp
Classification: Uncertain significance for Pheochromocytoma/paraganglioma syndrome 5; Mitochondrial complex II deficiency, nuclear type 1. Last evaluated: 2023-01-22. Review status: criteria provided, single submitter. Criteria: Invitae Variant Classification Sherloc (09022015). Collection method: clinical testing. Allele origin: germline.
Comment: In summary, the available evidence is currently insufficient to determine the role of this variant in disease. Therefore, it has been classified as a Variant of Uncertain Significance. Advanced modeling of protein sequence and biophysical properties (such as structural, functional, and spatial information, amino acid conservation, physicochemical variation, residue mobility, and thermodynamic stability) performed at Invitae indicates that this missense variant is not expected to disrupt SDHA protein function. ClinVar contains an entry for this variant (Variation ID: 1449585). This variant has not been reported in the literature in individuals affected with SDHA-related conditions. This variant is not present in population databases (gnomAD no frequency). This sequence change replaces alanine, which is neutral and non-polar, with valine, which is neutral and non-polar, at codon 88 of the SDHA protein (p.Ala88Val).